The following is an entry in ClinVar:

ClinVar aggregate classification (germline): Uncertain significance (1 of 4 stars; one submission).

Submission:

Labcorp Genetics (formerly Invitae), Labcorp
Classification: Uncertain significance. Last evaluated: 2022-10-17. Review status: criteria provided, single submitter. Criteria: Invitae Variant Classification Sherloc (09022015). Collection method: clinical testing. Allele origin: germline.
Comment: This variant is not present in population databases (gnomAD no frequency). This sequence change replaces serine, which is neutral and polar, with proline, which is neutral and non-polar, at codon 717 of the DSCAML1 protein (p.Ser717Pro). In summary, the available evidence is currently insufficient to determine the role of this variant in disease. Therefore, it has been classified as a Variant of Uncertain Significance. Algorithms developed to predict the effect of missense changes on protein structure and function are either unavailable or do not agree on the potential impact of this missense change (SIFT: "Deleterious"; PolyPhen-2: "Benign"; Align-GVGD: "Class C0"). This variant has not been reported in the literature in individuals affected with DSCAML1-related conditions.

NM_020693.4(DSCAML1):c.1969T>C (p.Ser657Pro)

Gene: DSCAML1 (DS cell adhesion molecule like 1; minus strand). Cytogenetic location: 11q23.3.
Variant type: single nucleotide variant.
Coding change: c.1969T>C on transcript NM_020693.4 (MANE Select); coding-DNA position 1969, T replaced by C.
Protein change: p.Ser657Pro; replaces serine 657 with proline.
Molecular consequence: missense variant.
Genome position (GRCh38, 1-based): chr11:117,505,547, A>G on the plus strand (T>C on the coding strand, the complement: DSCAML1 is on the minus strand). VCF-style: chr11-117505547-A-G. GRCh37 (hg19) VCF-style: chr11-117376262-A-G.
Other names: c.1969T>C, p.Ser657Pro (NM_001367904.1); short protein forms S657P.
Identifiers: ClinVar variation 2134082 (VCV002134082.4), dbSNP rs2543233469, ClinGen allele CA382755227.
Genomic context (GRCh38, chr11:117,505,547, plus strand): 5'-TGGCGGCTGCGTTGCTGGCGATGCATGTATAGTTGCCGTTGTGCTTGAGGGAGACGCTAG[A>G]GATCTGCAGGGAGCTCATGAATTCCTTGCTCTCGATGGTCACGCCCGAGCCTGAGATGAT-3'
Protein context (NP_065744.3, residues 647-667): SKEFMSSLQI[Ser657Pro]SVSLKHNGNY